The following is an entry in ClinVar:

NM_014874.4(MFN2):c.916G>A (p.Ala306Thr)

Gene: MFN2 (mitofusin 2; plus strand). Cytogenetic location: 1p36.22.
Variant type: single nucleotide variant.
Coding change: c.916G>A on transcript NM_014874.4 (MANE Select); coding-DNA position 916, G replaced by A.
Protein change: p.Ala306Thr; replaces alanine 306 with threonine.
Molecular consequence: missense variant.
Genome position (GRCh38, 1-based): chr1:12,001,500, G>A. VCF-style: chr1-12001500-G-A. GRCh37 (hg19) VCF-style: chr1-12061557-G-A.
Other names: c.916G>A, p.Ala306Thr (NM_001127660.2); short protein forms A306T.
Identifiers: ClinVar variation 543222 (VCV000543222.1), dbSNP rs1553143847, ClinGen allele CA338441851.
Genomic context (GRCh38, chr1:12,001,500, plus strand): 5'-GTGGATGAGCTGGGCGTGGTGGATCGATCCCAGGCCGGGGACCGCATCTTCTTTGTGTCT[G>A]CTAAGGAGGTGCTCAACGCCAGGATTCAGAAAGCCCAGGGCATGCCTGAAGGAGGTAATG-3'
Protein context (NP_055689.1, residues 296-316): QAGDRIFFVS[Ala306Thr]KEVLNARIQK

ClinVar aggregate classification (germline): Uncertain significance (1 of 4 stars; one submission).

Conditions:
Charcot-Marie-Tooth disease type 2. Also called: Charcot-Marie-Tooth type 2. Identifiers: Orphanet 64746, MedGen C0270914, MONDO:0018993.

Submission:

Labcorp Genetics (formerly Invitae), Labcorp
Classification: Uncertain significance for Charcot-Marie-Tooth disease type 2. Last evaluated: 2017-10-21. Review status: criteria provided, single submitter. Criteria: Invitae Variant Classification Sherloc (09022015). Collection method: clinical testing. Allele origin: germline.
Comment: This sequence change replaces alanine with threonine at codon 306 of the MFN2 protein (p.Ala306Thr). The alanine residue is highly conserved and there is a small physicochemical difference between alanine and threonine. This variant is not present in population databases (ExAC no frequency). This variant has not been reported in the literature in individuals with MFN2-related disease. Algorithms developed to predict the effect of missense changes on protein structure and function do not agree on the potential impact of this missense change (SIFT: "Deleterious"; PolyPhen-2: "Benign"; Align-GVGD: "Class C0"). In summary, the available evidence is currently insufficient to determine the role of this variant in disease. Therefore, it has been classified as a Variant of Uncertain Significance.